The following is an entry in ClinVar:

NM_001379286.1(ZNF423):c.2353C>G (p.Pro785Ala)

Gene: ZNF423 (zinc finger protein 423; minus strand). Cytogenetic location: 16q12.1.
Variant type: single nucleotide variant.
Coding change: c.2353C>G on transcript NM_001379286.1 (MANE Select); coding-DNA position 2353, C replaced by G.
Protein change: p.Pro785Ala; replaces proline 785 with alanine.
Molecular consequence: missense variant.
Genome position (GRCh38, 1-based): chr16:49,636,823, G>C on the plus strand (C>G on the coding strand, the complement: ZNF423 is on the minus strand). VCF-style: chr16-49636823-G-C. GRCh37 (hg19) VCF-style: chr16-49670734-G-C.
Other names: c.2149C>G, p.Pro717Ala (NM_001271620.2); c.1978C>G, p.Pro660Ala (NM_001330533.2); c.2329C>G, p.Pro777Ala (NM_015069.5); short protein forms P717A, P660A, P777A, P785A.
Identifiers: ClinVar variation 946528 (VCV000946528.9), dbSNP rs746136095, ClinGen allele CA8046525.

ClinVar aggregate classification (germline): Uncertain significance (1 of 4 stars; one submission).

Conditions:
Nephronophthisis 14 (NPHP14). Identifiers: Orphanet 2318, MedGen C3539071, MONDO:0013916, OMIM 614844.

gnomAD v4.1: 1 of 1,614,100 alleles (0.000062%); highest among the groups gnomAD compares: Non-Finnish European, 0.000085%; no homozygotes.

Submission:

Labcorp Genetics (formerly Invitae), Labcorp
Classification: Uncertain significance for Nephronophthisis 14. Last evaluated: 2019-08-06. Review status: criteria provided, single submitter. Criteria: Invitae Variant Classification Sherloc (09022015). Collection method: clinical testing. Allele origin: germline.
Comment: This sequence change replaces proline with alanine at codon 777 of the ZNF423 protein (p.Pro777Ala). The proline residue is highly conserved and there is a small physicochemical difference between proline and alanine. This variant is present in population databases (rs746136095, ExAC 0.002%). This variant has not been reported in the literature in individuals with ZNF423-related conditions. Algorithms developed to predict the effect of missense changes on protein structure and function (SIFT, PolyPhen-2, Align-GVGD) all suggest that this variant is likely to be tolerated, but these predictions have not been confirmed by published functional studies and their clinical significance is uncertain. In summary, the available evidence is currently insufficient to determine the role of this variant in disease. Therefore, it has been classified as a Variant of Uncertain Significance.